The following is an entry in ClinVar:

ClinVar aggregate classification (germline): Uncertain significance. Review status: criteria provided, multiple submitters, no conflicts (2 of 4 stars). 2 submissions from 2 submitters: Uncertain significance (2). Last evaluated 2024-01-06.

Conditions:
Inborn genetic diseases. Identifiers: MedGen C0950123, MeSH D030342.

Allele frequency attached by ClinVar (database versions not stated): gnomAD exomes below 0.00001; TOPMed below 0.00001.

Submissions (2):

Labcorp Genetics (formerly Invitae), Labcorp
Classification: Uncertain significance. Last evaluated: 2024-01-06. Review status: criteria provided, single submitter. Criteria: Invitae Variant Classification Sherloc (09022015). Collection method: clinical testing. Allele origin: germline.
Comment: This sequence change replaces tyrosine, which is neutral and polar, with serine, which is neutral and polar, at codon 645 of the SLC12A2 protein (p.Tyr645Ser). This variant is not present in population databases (gnomAD no frequency). This variant has not been reported in the literature in individuals affected with SLC12A2-related conditions. ClinVar contains an entry for this variant (Variation ID: 2526786). Advanced modeling of protein sequence and biophysical properties (such as structural, functional, and spatial information, amino acid conservation, physicochemical variation, residue mobility, and thermodynamic stability) performed at Invitae indicates that this missense variant is not expected to disrupt SLC12A2 protein function with a negative predictive value of 80%. In summary, the available evidence is currently insufficient to determine the role of this variant in disease. Therefore, it has been classified as a Variant of Uncertain Significance.

Ambry Genetics
Classification: Uncertain significance for Inborn genetic diseases. Last evaluated: 2023-03-20. Review status: criteria provided, single submitter. Criteria: Ambry Variant Classification Scheme 2023. Collection method: clinical testing. Allele origin: germline.

NM_001046.3(SLC12A2):c.1934A>C (p.Tyr645Ser)

Gene: SLC12A2 (solute carrier family 12 member 2; plus strand). Cytogenetic location: 5q23.3.
Variant type: single nucleotide variant.
Coding change: c.1934A>C on transcript NM_001046.3 (MANE Select); coding-DNA position 1934, A replaced by C.
Protein change: p.Tyr645Ser; replaces tyrosine 645 with serine.
Molecular consequence: missense variant. On other transcripts: non-coding transcript variant (1).
Genome position (GRCh38, 1-based): chr5:128,148,806, A>C. VCF-style: chr5-128148806-A-C. GRCh37 (hg19) VCF-style: chr5-127484498-A-C.
Other names: c.1934A>C, p.Tyr645Ser (NM_001256461.2); short protein forms Y645S.
Identifiers: ClinVar variation 2526786 (VCV002526786.5), dbSNP rs951122929, ClinGen allele CA126983640.